The following is an entry in ClinVar:

NM_001048174.2(MUTYH):c.7A>T (p.Lys3Ter)

Gene: MUTYH (mutY DNA glycosylase; minus strand). Cytogenetic location: 1p34.1.
Variant type: single nucleotide variant.
Coding change: c.7A>T on transcript NM_001048174.2 (MANE Select); coding-DNA position 7, A replaced by T.
Protein change: p.Lys3Ter; replaces lysine 3 with a stop codon.
Molecular consequence: nonsense. On other transcripts: 5 prime UTR variant (7), non-coding transcript variant (7).
Genome position (GRCh38, 1-based): chr1:45,334,499, T>A on the plus strand (A>T on the coding strand, the complement: MUTYH is on the minus strand). VCF-style: chr1-45334499-T-A. GRCh37 (hg19) VCF-style: chr1-45800171-T-A.
Other names: c.7A>T, p.Lys3Ter (NM_001293195.2, NM_001407070.1, NM_001407071.1 and 15 more transcripts); c.-206A>T (NM_001293196.2, NM_001407091.1, NM_001293192.2); c.-265A>T (NM_001350650.2); c.-201A>T (NM_001350651.2, NM_001407082.1); c.49A>T, p.Lys17Ter (NM_001407069.1, NM_001407073.1, NM_012222.3 and 2 more transcripts); c.-150A>T (NM_001407075.1); c.25A>T, p.Lys9Ter (NM_001407087.1); short protein forms K3*, K9*, K17*.
Identifiers: ClinVar variation 5024989 (VCV005024989.1).

ClinVar aggregate classification (germline): Pathogenic (1 of 4 stars; one submission).

Conditions:
Hereditary cancer-predisposing syndrome. Also called: Neoplastic Syndromes, Hereditary; Tumor predisposition; Hereditary neoplastic syndrome; Hereditary Cancer Syndrome. Identifiers: Orphanet 140162, MedGen C0027672, MeSH D009386, MONDO:0015356.

Submission:

Ambry Genetics
Classification: Pathogenic for Hereditary cancer-predisposing syndrome. Last evaluated: 2026-06-26. Review status: criteria provided, single submitter. Criteria: Ambry Variant Classification Scheme 2023. Collection method: clinical testing. Allele origin: germline.
Comment: The p.K17* pathogenic mutation (also known as c.49A>T), located in coding exon 2 of the MUTYH gene, results from an A to T substitution at nucleotide position 49. This changes the amino acid from a lysine to a stop codon within coding exon 2. This variant is considered to be rare based on population cohorts in the Genome Aggregation Database (gnomAD). This alteration is expected to result in loss of function by premature protein truncation or nonsense-mediated mRNA decay. As such, this alteration is interpreted as a disease-causing mutation.